The following is an entry in ClinVar:

ClinVar aggregate classification (germline): Uncertain significance. Review status: criteria provided, multiple submitters, no conflicts (2 of 4 stars). 2 submissions from 2 submitters: Uncertain significance (2). Last evaluated 2025-04-09.

Conditions:
Inborn genetic diseases. Identifiers: MedGen C0950123, MeSH D030342.

Allele frequency attached by ClinVar (database versions not stated): gnomAD exomes 0.00001; ExAC 0.00003.
gnomAD v4.1: 35 of 1,613,852 alleles (0.0022%); highest among the groups gnomAD compares: Middle Eastern, 0.016%; no homozygotes.

Submissions (2):

Ambry Genetics
Classification: Uncertain significance for Inborn genetic diseases. Last evaluated: 2025-04-09. Review status: criteria provided, single submitter. Criteria: Ambry Variant Classification Scheme 2023. Collection method: clinical testing. Allele origin: germline.

Labcorp Genetics (formerly Invitae), Labcorp
Classification: Uncertain significance. Last evaluated: 2022-08-31. Review status: criteria provided, single submitter. Criteria: Invitae Variant Classification Sherloc (09022015). Collection method: clinical testing. Allele origin: germline.
Comment: This sequence change replaces alanine, which is neutral and non-polar, with threonine, which is neutral and polar, at codon 1252 of the CDH23 protein (p.Ala1252Thr). This variant is present in population databases (rs747334403, gnomAD 0.006%). This variant has not been reported in the literature in individuals affected with CDH23-related conditions. ClinVar contains an entry for this variant (Variation ID: 1379405). Algorithms developed to predict the effect of missense changes on protein structure and function output the following: SIFT: "Tolerated"; PolyPhen-2: "Not Available"; Align-GVGD: "Class C0". The threonine amino acid residue is found in multiple mammalian species, which suggests that this missense change does not adversely affect protein function. In summary, the available evidence is currently insufficient to determine the role of this variant in disease. Therefore, it has been classified as a Variant of Uncertain Significance.

NM_022124.6(CDH23):c.3754G>A (p.Ala1252Thr)

Genes: C10orf105 (chromosome 10 open reading frame 105; minus strand), CDH23 (cadherin related 23; plus strand). Cytogenetic location: 10q22.1.
Variant type: single nucleotide variant.
Coding change: c.3754G>A on transcript NM_022124.6 (MANE Select); coding-DNA position 3754, G replaced by A.
Protein change: p.Ala1252Thr; replaces alanine 1252 with threonine.
Molecular consequence: missense variant. On other transcripts: intron variant (1).
Genome position (GRCh38, 1-based): chr10:71,732,025, G>A. VCF-style: chr10-71732025-G-A. GRCh37 (hg19) VCF-style: chr10-73491782-G-A.
Other names: c.-6+5703C>T (NM_001168390.2); c.3754G>A, p.Ala1252Thr (NM_001171930.2); short protein forms A1252T.
Identifiers: ClinVar variation 1379405 (VCV001379405.7), dbSNP rs747334403, ClinGen allele CA5544843.